The following is an entry in ClinVar:

NM_001374385.1(ATP8B1):c.164G>A (p.Arg55Gln)

Gene: ATP8B1 (ATPase phospholipid transporting 8B1; minus strand). Cytogenetic location: 18q21.31.
Variant type: single nucleotide variant.
Coding change: c.164G>A on transcript NM_001374385.1 (MANE Select); coding-DNA position 164, G replaced by A.
Protein change: p.Arg55Gln; replaces arginine 55 with glutamine.
Molecular consequence: missense variant.
Genome position (GRCh38, 1-based): chr18:57,731,644, C>T on the plus strand (G>A on the coding strand, the complement: ATP8B1 is on the minus strand). VCF-style: chr18-57731644-C-T. GRCh37 (hg19) VCF-style: chr18-55398876-C-T.
Other names: c.112G>A, p.Gly38Arg (NM_001374386.1); c.164G>A, p.Arg55Gln (NM_005603.6); short protein forms G38R, R55Q.
Identifiers: ClinVar variation 891237 (VCV000891237.5), dbSNP rs768114205, ClinGen allele CA8974940.

ClinVar aggregate classification (germline): Uncertain significance. Review status: criteria provided, multiple submitters, no conflicts (2 of 4 stars). 2 submissions from 2 submitters: Uncertain significance (2). Last evaluated 2026-08-06.

Conditions:
Progressive familial intrahepatic cholestasis type 1. Also called: Byler's disease; BYLER DISEASE; Severe ATP8B1 Deficiency (Progressive Familial Intrahepatic Cholestasis Type 1 [PFIC1]). Identifiers: Orphanet 79306, MedGen C4551898, MONDO:0008892, OMIM 211600.

Allele frequency attached by ClinVar (database versions not stated): TOPMed 0.00001; gnomAD exomes 0.00002 and 0.00003; gnomAD 0.00003 and 0.00004; ExAC 0.00004.
gnomAD v4.1: 31 of 1,613,892 alleles (0.0019%); highest among the groups gnomAD compares: Non-Finnish European, 0.0024%; no homozygotes.

Submissions (2):

OLLIN Analises Genomicas, OLLIN
Classification: Uncertain significance. Last evaluated: 2026-08-06. Review status: criteria provided, single submitter. Criteria: ACMG Guidelines 2015 PMID 25741868. Collection method: clinical testing. Allele origin: germline.
Comment: This missense variant, located in exon 2 (of 28), has been reported in ClinVar (accession VCV000891237.4) and in gnomAD with an allele frequency of 0.0019%. However, to our knowledge, it has not been reported in the scientific literature. In silico analysis predicts that this variant has a tolerated effect. According to the currently available evidence, this variant has been classified as uncertain significance (PM2_P, BP4_S).

Illumina Laboratory Services, Illumina
Classification: Uncertain significance for Progressive familial intrahepatic cholestasis type 1. Last evaluated: 2018-01-13. Review status: criteria provided, single submitter. Criteria: ICSL Variant Classification Criteria 13 December 2019. Collection method: clinical testing. Allele origin: germline.